The following is an entry in ClinVar:

NM_018489.3(ASH1L):c.261G>T (p.Leu87Phe)

Gene: ASH1L (ASH1 like histone lysine methyltransferase; minus strand). Cytogenetic location: 1q22.
Variant type: single nucleotide variant.
Coding change: c.261G>T on transcript NM_018489.3 (MANE Select); coding-DNA position 261, G replaced by T.
Protein change: p.Leu87Phe; replaces leucine 87 with phenylalanine.
Molecular consequence: missense variant.
Genome position (GRCh38, 1-based): chr1:155,521,259, C>A on the plus strand (G>T on the coding strand, the complement: ASH1L is on the minus strand). VCF-style: chr1-155521259-C-A. GRCh37 (hg19) VCF-style: chr1-155491050-C-A.
Other names: c.261G>T, p.Leu87Phe (NM_001366177.2); short protein forms L87F.
Identifiers: ClinVar variation 4823330 (VCV004823330.4).
Genomic context (GRCh38, chr1:155,521,259, plus strand): 5'-TACATAGTTCTCCAAGTTCTTTGGAGGTTTTTTAGTTCTCTTAGCCTGGAGGCCAATTTT[C>A]AATTTTAAATTTCCCTCTGAAAAGTTTGTTTCTTTCACTGAAAACTGTTGCTGTGCATCA-3'
Protein context (NP_060959.2, residues 77-97): ETNFSEGNLK[Leu87Phe]KIGLQAKRTK

ClinVar aggregate classification (germline): Likely benign (1 of 4 stars; one submission).

gnomAD v4.1: 52 of 1,614,012 alleles (0.0032%); highest among the groups gnomAD compares: Non-Finnish European, 0.0041%; no homozygotes.

Submission:

CeGaT Center for Human Genetics Tuebingen
Classification: Likely benign. Last evaluated: 2026-02-01. Review status: criteria provided, single submitter. Criteria: CeGaT Center For Human Genetics Tuebingen Variant Classification Criteria Version 2. Collection method: clinical testing. Allele origin: germline. Affected: yes. Observed: 1 variant allele.
Comment: ASH1L: PP3, BS1